The following is an entry in ClinVar:

ClinVar aggregate classification (germline): Pathogenic (1 of 4 stars; one submission).

Conditions:
Distal myopathy with posterior leg and anterior hand involvement. Also called: WILLIAMS DISTAL MYOPATHY. Identifiers: Orphanet 63273, MedGen C3279722, MONDO:0013550, OMIM 614065.
Hypertrophic cardiomyopathy 26. Also called: Cardiomyopathy, familial hypertrophic, 26. Identifiers: Orphanet 75249, MedGen C4310749, MONDO:0014883, OMIM 617047.
Myofibrillar myopathy 5. Also called: FILAMINOPATHY, AUTOSOMAL DOMINANT; Filaminopathy (type). Identifiers: Orphanet 171445, MedGen C1836050, MONDO:0012289, OMIM 609524.

Submission:

Labcorp Genetics (formerly Invitae), Labcorp
Classification: Pathogenic for Distal myopathy with posterior leg and anterior hand involvement; Myofibrillar myopathy 5; Hypertrophic cardiomyopathy 26. Last evaluated: 2021-07-21. Review status: criteria provided, single submitter. Criteria: Invitae Variant Classification Sherloc (09022015). Collection method: clinical testing. Allele origin: germline.
Comment: For these reasons, this variant has been classified as Pathogenic. This variant has not been reported in the literature in individuals affected with FLNC-related conditions. This sequence change creates a premature translational stop signal (p.Gln163Alafs*22) in the FLNC gene. It is expected to result in an absent or disrupted protein product. Loss-of-function variants in FLNC are known to be pathogenic (PMID: 27908349). This variant is not present in population databases (ExAC no frequency).

Literature cited by the submitters: PubMed 27908349.

NM_001458.5(FLNC):c.486dup (p.Gln163fs)

Gene: FLNC (filamin C; plus strand). Cytogenetic location: 7q32.1.
Variant type: Duplication.
Coding change: c.486dup on transcript NM_001458.5 (MANE Select); coding-DNA position 486, one base duplicated (G; older notation c.486dupG).
Protein change: p.Gln163fs; shifts the reading frame from glutamine 163.
Molecular consequence: frameshift variant.
Genome position (GRCh38, 1-based): chr7:128,835,459, G duplicated. VCF-style (leftmost placement, unchanged base first): chr7-128835458-A-AG. GRCh37 (hg19) VCF-style: chr7-128475512-A-AG.
Other names: c.486dup, p.Gln163fs (NM_001127487.2); short protein forms Q163fs.
Identifiers: ClinVar variation 1452804 (VCV001452804.6), dbSNP rs2128933653, ClinGen allele CA2573141747.